The following is an entry in ClinVar:

NC_000023.10:g.(?_31745485)_(31838220_?)del

Gene: DMD (dystrophin; minus strand). Cytogenetic location: Xp21.1.
Variant type: Deletion.
Identifiers: ClinVar variation 3248341 (VCV003248341.1).

ClinVar aggregate classification (germline): Pathogenic (1 of 4 stars; one submission).

Conditions:
Duchenne muscular dystrophy (DMD). Also called: MUSCULAR DYSTROPHY, PSEUDOHYPERTROPHIC PROGRESSIVE, DUCHENNE TYPE; Duchenne Muscular Dystrophy (DMD). Identifiers: Orphanet 98896, MedGen C0013264, MONDO:0010679, OMIM 310200.

Submission:

Labcorp Genetics (formerly Invitae), Labcorp
Classification: Pathogenic for Duchenne muscular dystrophy. Last evaluated: 2023-10-14. Review status: criteria provided, single submitter. Criteria: Invitae Variant Classification Sherloc (09022015). Collection method: clinical testing. Allele origin: unknown.
Comment: This variant is a gross deletion of the genomic region encompassing exon(s) 50-52 of the DMD gene. This deletion is out-of-frame, and is expected to create a premature termination codon and result in an absent or disrupted protein product. Loss-of-function variants in DMD are known to be pathogenic (PMID: 16770791, 25007885). A similar copy number variant has been observed in individual(s) with Duchenne muscular dystrophy (PMID: 15723292, 18353051, 18752307, 19461958, 23914114). For these reasons, this variant has been classified as Pathogenic.

Literature cited by the submitters: PubMed 16770791; PubMed 25007885; PubMed 15723292; PubMed 18353051; PubMed 18752307; PubMed 19461958; PubMed 23914114.